The following is an entry in ClinVar:

NM_000143.4(FH):c.796A>G (p.Met266Val)

Gene: FH (fumarate hydratase; minus strand). Cytogenetic location: 1q43.
Variant type: single nucleotide variant.
Coding change: c.796A>G on transcript NM_000143.4 (MANE Select); coding-DNA position 796, A replaced by G.
Protein change: p.Met266Val; replaces methionine 266 with valine.
Molecular consequence: missense variant.
Genome position (GRCh38, 1-based): chr1:241,506,111, T>C on the plus strand (A>G on the coding strand, the complement: FH is on the minus strand). VCF-style: chr1-241506111-T-C. GRCh37 (hg19) VCF-style: chr1-241669411-T-C.
Other names: short protein forms M266V.
Identifiers: ClinVar variation 2112059 (VCV002112059.4), dbSNP rs754285771, ClinGen allele CA1478604.

ClinVar aggregate classification (germline): Uncertain significance (1 of 4 stars; one submission).

Allele frequency attached by ClinVar (database versions not stated): TOPMed below 0.00001; ExAC 0.00001.
gnomAD v4.1: 1 of 1,614,026 alleles (0.000062%); highest among the groups gnomAD compares: Admixed American, 0.0017%; no homozygotes.

Submission:

Labcorp Genetics (formerly Invitae), Labcorp
Classification: Uncertain significance. Last evaluated: 2022-03-14. Review status: criteria provided, single submitter. Criteria: Invitae Variant Classification Sherloc (09022015). Collection method: clinical testing. Allele origin: germline.
Comment: This sequence change replaces methionine, which is neutral and non-polar, with valine, which is neutral and non-polar, at codon 266 of the FH protein (p.Met266Val). In summary, the available evidence is currently insufficient to determine the role of this variant in disease. Therefore, it has been classified as a Variant of Uncertain Significance. Advanced modeling of protein sequence and biophysical properties (such as structural, functional, and spatial information, amino acid conservation, physicochemical variation, residue mobility, and thermodynamic stability) performed at Invitae indicates that this missense variant is not expected to disrupt FH protein function. This variant has not been reported in the literature in individuals affected with FH-related conditions. This variant is present in population databases (rs754285771, gnomAD 0.003%).